The following is an entry in ClinVar:

ClinVar aggregate classification (germline): Uncertain significance (1 of 4 stars; one submission).

Conditions:
Hereditary cancer-predisposing syndrome. Also called: Tumor predisposition; Neoplastic Syndromes, Hereditary; Hereditary Cancer Syndrome; Hereditary neoplastic syndrome. Identifiers: Orphanet 140162, MedGen C0027672, MeSH D009386, MONDO:0015356.

Submission:

Ambry Genetics
Classification: Uncertain significance for Hereditary cancer-predisposing syndrome. Last evaluated: 2024-11-20. Review status: criteria provided, single submitter. Criteria: Ambry Variant Classification Scheme 2023. Collection method: clinical testing. Allele origin: germline.
Comment: The p.F226L variant (also known as c.676T>C), located in coding exon 4 of the FLCN gene, results from a T to C substitution at nucleotide position 676. The phenylalanine at codon 226 is replaced by leucine, an amino acid with highly similar properties. This amino acid position is conserved. In addition, this alteration is predicted to be deleterious by in silico analysis. Based on the available evidence, the clinical significance of this variant remains unclear.

NM_144997.7(FLCN):c.676T>C (p.Phe226Leu)

Gene: FLCN (folliculin; minus strand). Cytogenetic location: 17p11.2.
Variant type: single nucleotide variant.
Coding change: c.676T>C on transcript NM_144997.7 (MANE Select); coding-DNA position 676, T replaced by C.
Protein change: p.Phe226Leu; replaces phenylalanine 226 with leucine.
Molecular consequence: missense variant.
Genome position (GRCh38, 1-based): chr17:17,222,604, A>G on the plus strand (T>C on the coding strand, the complement: FLCN is on the minus strand). VCF-style: chr17-17222604-A-G. GRCh37 (hg19) VCF-style: chr17-17125918-A-G.
Other names: c.676T>C, p.Phe226Leu (NM_001353231.2, NM_144606.7, NM_001353230.2); c.730T>C, p.Phe244Leu (NM_001353229.2); short protein forms F226L, F244L.
Identifiers: ClinVar variation 3515672 (VCV003515672.1).